The following is an entry in ClinVar:

NM_015072.5(TTLL5):c.3180C>A (p.Asn1060Lys)

Gene: TTLL5 (tubulin tyrosine ligase like 5; plus strand). Cytogenetic location: 14q24.3.
Variant type: single nucleotide variant.
Coding change: c.3180C>A on transcript NM_015072.5 (MANE Select); coding-DNA position 3180, C replaced by A.
Protein change: p.Asn1060Lys; replaces asparagine 1060 with lysine.
Molecular consequence: missense variant.
Genome position (GRCh38, 1-based): chr14:75,820,015, C>A. VCF-style: chr14-75820015-C-A. GRCh37 (hg19) VCF-style: chr14-76286358-C-A.
Other names: short protein forms N1060K.
Identifiers: ClinVar variation 2011426 (VCV002011426.4), dbSNP rs374567289, ClinGen allele CA7279949.
Genomic context (GRCh38, chr14:75,820,015, plus strand): 5'-TGCTTTTTAAAAACTCTGTAAAGTCAGGTTATTTCCCTCGCTTTATTTCTAGGTAACAAA[C>A]CTGAATTTGGCAACTGGCATCATAAACAGAAGCAGTGCTTCAGCTCCCCCAACCCTCCGA-3'
Protein context (NP_055887.3, residues 1050-1070): HINLLTQQVT[Asn1060Lys]LNLATGIINR

ClinVar aggregate classification (germline): Uncertain significance (1 of 4 stars; one submission).

Allele frequency attached by ClinVar (database versions not stated): gnomAD 0.00001; TOPMed 0.00001; ESP Exome Variant Server 0.00008.
gnomAD v4.1: 5 of 1,596,560 alleles (0.00031%); highest among the groups gnomAD compares: Non-Finnish European, 0.00043%; no homozygotes.

Submission:

Labcorp Genetics (formerly Invitae), Labcorp
Classification: Uncertain significance. Last evaluated: 2022-07-11. Review status: criteria provided, single submitter. Criteria: Invitae Variant Classification Sherloc (09022015). Collection method: clinical testing. Allele origin: germline.
Comment: In summary, the available evidence is currently insufficient to determine the role of this variant in disease. Therefore, it has been classified as a Variant of Uncertain Significance. Algorithms developed to predict the effect of missense changes on protein structure and function (SIFT, PolyPhen-2, Align-GVGD) all suggest that this variant is likely to be tolerated. This variant has not been reported in the literature in individuals affected with TTLL5-related conditions. This variant is not present in population databases (gnomAD no frequency). This sequence change replaces asparagine, which is neutral and polar, with lysine, which is basic and polar, at codon 1060 of the TTLL5 protein (p.Asn1060Lys).